The following is an entry in ClinVar:

ClinVar aggregate classification (germline): Uncertain significance (1 of 4 stars; one submission).

Allele frequency attached by ClinVar (database versions not stated): TOPMed below 0.00001.

Submission:

Labcorp Genetics (formerly Invitae), Labcorp
Classification: Uncertain significance. Last evaluated: 2023-05-23. Review status: criteria provided, single submitter. Criteria: Invitae Variant Classification Sherloc (09022015). Collection method: clinical testing. Allele origin: germline.
Comment: In summary, the available evidence is currently insufficient to determine the role of this variant in disease. Therefore, it has been classified as a Variant of Uncertain Significance. Advanced modeling of protein sequence and biophysical properties (such as structural, functional, and spatial information, amino acid conservation, physicochemical variation, residue mobility, and thermodynamic stability) performed at Invitae indicates that this missense variant is not expected to disrupt COL11A1 protein function. This variant has not been reported in the literature in individuals affected with COL11A1-related conditions. This variant is not present in population databases (gnomAD no frequency). This sequence change replaces lysine, which is basic and polar, with glutamic acid, which is acidic and polar, at codon 173 of the COL11A1 protein (p.Lys173Glu).

NM_001854.4(COL11A1):c.517A>G (p.Lys173Glu)

Gene: COL11A1 (collagen type XI alpha 1 chain; minus strand). Cytogenetic location: 1p21.1.
Variant type: single nucleotide variant.
Coding change: c.517A>G on transcript NM_001854.4 (MANE Select); coding-DNA position 517, A replaced by G.
Protein change: p.Lys173Glu; replaces lysine 173 with glutamic acid.
Molecular consequence: missense variant. On other transcripts: non-coding transcript variant (1).
Genome position (GRCh38, 1-based): chr1:103,074,752, T>C on the plus strand (A>G on the coding strand, the complement: COL11A1 is on the minus strand). VCF-style: chr1-103074752-T-C. GRCh37 (hg19) VCF-style: chr1-103540308-T-C.
Other names: c.517A>G, p.Lys173Glu (NM_001168249.1, NM_001190709.2, NM_080629.3 and 1 more transcripts); short protein forms K173E.
Identifiers: ClinVar variation 2980956 (VCV002980956.3), dbSNP rs1042498161, ClinGen allele CA27752897.